The following is an entry in ClinVar:

ClinVar aggregate classification (germline): Pathogenic (1 of 4 stars; one submission).

Submission:

GeneDx
Classification: Pathogenic. Last evaluated: 2015-11-28. Review status: criteria provided, single submitter. Criteria: GeneDx Variant Classification (06012015). Collection method: clinical testing. Allele origin: germline. Affected: yes.
Comment: The c.2T>A pathogenic variant in the GTPBP3 gene has not been reported previously as a pathogenic variant nor as a benign variant, to our knowledge. As this pathogenic variant changes the translation initiator Methionine codon, the resultant protein is described as p.Met1?, using a question mark to signify that it is not known if the loss of Met1 means that all protein translation is completely prevented or if an abnormal protein is produced using an alternate Methionine. The c.2T>A variant was not observed in approximately 6,100 individuals of European and African American ancestry in the NHLBI Exome Sequencing Project, indicating it is not a common benign variant in these populations. We interpret c.2T>A as a pathogenic variant.

NM_032620.4(GTPBP3):c.2T>A (p.Met1Lys)

Gene: GTPBP3 (GTP binding protein 3, mitochondrial; plus strand). Cytogenetic location: 19p13.11.
Variant type: single nucleotide variant.
Coding change: c.2T>A on transcript NM_032620.4 (MANE Select); coding-DNA position 2, T replaced by A.
Protein change: p.Met1Lys; changes the start codon (methionine 1).
Molecular consequence: missense variant, initiator codon variant. On other transcripts: intron variant (1).
Genome position (GRCh38, 1-based): chr19:17,337,613, T>A. VCF-style: chr19-17337613-T-A. GRCh37 (hg19) VCF-style: chr19-17448422-T-A.
Other names: c.2T>A, p.Met1Lys (NM_001128855.3, NM_133644.4); c.120-395T>A (NM_001195422.1); short protein forms M1K.
Identifiers: ClinVar variation 488854 (VCV000488854.3), dbSNP rs1019249439, ClinGen allele CA404730285.
Genomic context (GRCh38, chr19:17,337,613, plus strand): 5'-CTGCCCAGACTTGAAGCCACACAGGCAGGTCGGGCAGGCGGGTCGCAGGTTGTAAATCCA[T>A]GTGGCGGGGGCTTTGGACCCTGGCGGCCCAAGCGGCACGTGGGCCTCGCAGGTGGGGCTA-3'
Protein context (NP_116009.2, residues 1-11): [Met1Lys]WRGLWTLAAQ